The following is an entry in ClinVar:

NM_001148.6(ANK2):c.6217A>G (p.Ile2073Val)

Genes: ANK2 (ankyrin 2; plus strand), LOC126807136 (MED14-independent group 3 enhancer GRCh37_chr4:114274931-114276130; plus strand). Cytogenetic location: 4q26.
Variant type: single nucleotide variant.
Coding change: c.6217A>G on transcript NM_001148.6 (MANE Select); coding-DNA position 6217, A replaced by G.
Protein change: p.Ile2073Val; replaces isoleucine 2073 with valine.
Molecular consequence: missense variant. On other transcripts: intron variant (68).
Genome position (GRCh38, 1-based): chr4:113,354,835, A>G. VCF-style: chr4-113354835-A-G. GRCh37 (hg19) VCF-style: chr4-114275991-A-G.
Other names: c.1990+4586A>G (NM_001354282.2, NM_001354279.2); c.2617A>G, p.Ile873Val (NM_001386166.1); c.1975+4586A>G (NM_001354280.2); c.6358A>G, p.Ile2120Val (NM_001386174.1); c.1954+4586A>G (NM_001354278.2, NM_001354281.2); c.6334A>G, p.Ile2112Val (NM_001386175.1); c.4411+4586A>G (NM_001386186.2, NM_001386148.2); c.826+4586A>G (NM_001386167.1); and 35 more; short protein forms I2073V, I1995V, I2112V, I2120V, I873V.
Identifiers: ClinVar variation 953544 (VCV000953544.9), dbSNP rs749398563, ClinGen allele CA3051387.
Genomic context (GRCh38, chr4:113,354,835, plus strand): 5'-GGCCAGAGACTCCCGGTAACGGGCACAGCAGAATCCAAAAGAGGAGTTCGTGTTTCCTCC[A>G]TAGGAGTTAAGAAAGAAGATGCAGCTGGAGGAAAGGAGAAAGTTCTCAGCCACAAAATAC-3'
Protein context (NP_001139.3, residues 2063-2083): ESKRGVRVSS[Ile2073Val]GVKKEDAAGG

ClinVar aggregate classification (germline): Conflicting classifications of pathogenicity. Review status: criteria provided, conflicting classifications (1 of 4 stars). 2 submissions from 2 submitters: Uncertain significance (1); Likely benign (1). Last evaluated 2025-02-07.

Conditions:
Long QT syndrome (LQTS). Identifiers: MedGen C0023976, MeSH D008133, MONDO:0002442. Disease mechanism: loss of function. Inheritance: Various modes of inheritance.
Cardiovascular phenotype. Identifiers: MedGen CN230736.

Allele frequency attached by ClinVar (database versions not stated): gnomAD exomes 0.00002; ExAC 0.00003; TOPMed 0.00006.
gnomAD v4.1: 31 of 1,614,040 alleles (0.0019%); highest among the groups gnomAD compares: South Asian, 0.019%; 1 homozygote.

Submissions (2):

Labcorp Genetics (formerly Invitae), Labcorp
Classification: Uncertain significance for Long QT syndrome. Last evaluated: 2025-02-07. Review status: criteria provided, single submitter. Criteria: Invitae Variant Classification Sherloc (09022015). Collection method: clinical testing. Allele origin: germline.
Comment: This sequence change replaces isoleucine, which is neutral and non-polar, with valine, which is neutral and non-polar, at codon 2073 of the ANK2 protein (p.Ile2073Val). This variant is present in population databases (rs749398563, gnomAD 0.02%). This variant has not been reported in the literature in individuals affected with ANK2-related conditions. ClinVar contains an entry for this variant (Variation ID: 953544). An algorithm developed to predict the effect of missense changes on protein structure and function outputs the following: PolyPhen-2: "Benign". The valine amino acid residue is found in multiple mammalian species, which suggests that this missense change does not adversely affect protein function. In summary, the available evidence is currently insufficient to determine the role of this variant in disease. Therefore, it has been classified as a Variant of Uncertain Significance.

Ambry Genetics
Classification: Likely benign for Cardiovascular phenotype. Last evaluated: 2020-11-20. Review status: criteria provided, single submitter. Criteria: Ambry Variant Classification Scheme 2023. Collection method: clinical testing. Allele origin: germline.

Literature cited by the submitters: PubMed 30564305 (cited by Ambry Genetics).